The following is an entry in ClinVar:

NM_004855.5(PIGB):c.370A>T (p.Ile124Phe)

Gene: PIGB (phosphatidylinositol glycan anchor biosynthesis class B; plus strand). Cytogenetic location: 15q21.3.
Variant type: single nucleotide variant.
Coding change: c.370A>T on transcript NM_004855.5 (MANE Select); coding-DNA position 370, A replaced by T.
Protein change: p.Ile124Phe; replaces isoleucine 124 with phenylalanine.
Molecular consequence: missense variant.
Genome position (GRCh38, 1-based): chr15:55,321,343, A>T. VCF-style: chr15-55321343-A-T. GRCh37 (hg19) VCF-style: chr15-55613541-A-T.
Other names: short protein forms I124F.
Identifiers: ClinVar variation 1986325 (VCV001986325.2), dbSNP rs369353366, ClinGen allele CA7573824.

ClinVar aggregate classification (germline): Uncertain significance. Review status: criteria provided, multiple submitters, no conflicts (2 of 4 stars). 2 submissions from 2 submitters: Uncertain significance (2). Last evaluated 2022-04-09.

Conditions:
Inborn genetic diseases. Identifiers: MedGen C0950123, MeSH D030342.

Allele frequency attached by ClinVar (database versions not stated): gnomAD exomes 0.00002; ESP Exome Variant Server 0.00008; ExAC 0.00014; TOPMed 0.00019; gnomAD 0.00020.

Submissions (2):

Labcorp Genetics (formerly Invitae), Labcorp
Classification: Uncertain significance. Last evaluated: 2022-04-09. Review status: criteria provided, single submitter. Criteria: Invitae Variant Classification Sherloc (09022015). Collection method: clinical testing. Allele origin: germline.
Comment: This sequence change replaces isoleucine, which is neutral and non-polar, with phenylalanine, which is neutral and non-polar, at codon 124 of the PIGB protein (p.Ile124Phe). This variant is present in population databases (rs369353366, gnomAD 0.08%). This variant has not been reported in the literature in individuals affected with PIGB-related conditions. Algorithms developed to predict the effect of missense changes on protein structure and function are either unavailable or do not agree on the potential impact of this missense change (SIFT: "Deleterious"; PolyPhen-2: "Benign"; Align-GVGD: "Class C0"). In summary, the available evidence is currently insufficient to determine the role of this variant in disease. Therefore, it has been classified as a Variant of Uncertain Significance.

Ambry Genetics
Classification: Uncertain significance for Inborn genetic diseases. Last evaluated: 2021-07-21. Review status: criteria provided, single submitter. Criteria: Ambry Variant Classification Scheme 2023. Collection method: clinical testing. Allele origin: germline.